The following is an entry in ClinVar:

NM_004655.4(AXIN2):c.1577A>G (p.Lys526Arg)

Gene: AXIN2 (axin 2; minus strand). Cytogenetic location: 17q24.1.
Variant type: single nucleotide variant.
Coding change: c.1577A>G on transcript NM_004655.4 (MANE Select); coding-DNA position 1577, A replaced by G.
Protein change: p.Lys526Arg; replaces lysine 526 with arginine.
Molecular consequence: missense variant.
Genome position (GRCh38, 1-based): chr17:65,537,459, T>C on the plus strand (A>G on the coding strand, the complement: AXIN2 is on the minus strand). VCF-style: chr17-65537459-T-C. GRCh37 (hg19) VCF-style: chr17-63533577-T-C.
Other names: c.1577A>G (LRG_296t1); c.1577A>G, p.Lys526Arg (NM_001363813.1); short protein forms K526R.
Identifiers: ClinVar variation 650225 (VCV000650225.12), dbSNP rs778137043, ClinGen allele CA8718611.

ClinVar aggregate classification (germline): Uncertain significance. Review status: criteria provided, multiple submitters, no conflicts (2 of 4 stars). 2 submissions from 2 submitters: Uncertain significance (2). Last evaluated 2025-07-07.

Conditions:
Hereditary cancer-predisposing syndrome. Also called: Neoplastic Syndromes, Hereditary; Tumor predisposition; Hereditary Cancer Syndrome; Hereditary neoplastic syndrome. Identifiers: Orphanet 140162, MedGen C0027672, MeSH D009386, MONDO:0015356.
Oligodontia-cancer predisposition syndrome. Also called: TOOTH AGENESIS-COLORECTAL CANCER SYNDROME. Identifiers: Orphanet 300576, MedGen C1837750, MONDO:0012075, OMIM 608615. Disease mechanism: loss of function.

Allele frequency attached by ClinVar (database versions not stated): gnomAD exomes below 0.00001 and 0.00001; ExAC 0.00001; TOPMed 0.00001.
gnomAD v4.1: 9 of 1,613,924 alleles (0.00056%); highest among the groups gnomAD compares: Non-Finnish European, 0.00076%; no homozygotes.

Submissions (2):

Labcorp Genetics (formerly Invitae), Labcorp
Classification: Uncertain significance for Oligodontia-cancer predisposition syndrome. Last evaluated: 2025-07-07. Review status: criteria provided, single submitter. Criteria: Invitae Variant Classification Sherloc (09022015). Collection method: clinical testing. Allele origin: germline.
Comment: This sequence change replaces lysine, which is basic and polar, with arginine, which is basic and polar, at codon 526 of the AXIN2 protein (p.Lys526Arg). This variant is present in population databases (rs778137043, gnomAD 0.0009%). This missense change has been observed in individual(s) with breast cancer (PMID: 35957908). ClinVar contains an entry for this variant (Variation ID: 650225). Invitae Evidence Modeling of protein sequence and biophysical properties (such as structural, functional, and spatial information, amino acid conservation, physicochemical variation, residue mobility, and thermodynamic stability) indicates that this missense variant is not expected to disrupt AXIN2 protein function with a negative predictive value of 80%. In summary, the available evidence is currently insufficient to determine the role of this variant in disease. Therefore, it has been classified as a Variant of Uncertain Significance.

Ambry Genetics
Classification: Uncertain significance for Hereditary cancer-predisposing syndrome. Last evaluated: 2024-06-14. Review status: criteria provided, single submitter. Criteria: Ambry Variant Classification Scheme 2023. Collection method: clinical testing. Allele origin: germline.
Comment: The p.K526R variant (also known as c.1577A>G), located in coding exon 5 of the AXIN2 gene, results from an A to G substitution at nucleotide position 1577. The lysine at codon 526 is replaced by arginine, an amino acid with highly similar properties. This amino acid position is well conserved in available vertebrate species. In addition, this alteration is predicted to be tolerated by in silico analysis. Since supporting evidence is limited at this time, the clinical significance of this alteration remains unclear.

Literature cited by the submitters: PubMed 35957908 (cited by Labcorp Genetics (formerly Invitae), Labcorp).